The following is an entry in ClinVar:

NM_004186.5(SEMA3F):c.276A>G (p.Ile92Met)

Gene: SEMA3F (semaphorin 3F; plus strand). Cytogenetic location: 3p21.31.
Variant type: single nucleotide variant.
Coding change: c.276A>G on transcript NM_004186.5 (MANE Select); coding-DNA position 276, A replaced by G.
Protein change: p.Ile92Met; replaces isoleucine 92 with methionine.
Molecular consequence: missense variant.
Genome position (GRCh38, 1-based): chr3:50,174,054, A>G. VCF-style: chr3-50174054-A-G. GRCh37 (hg19) VCF-style: chr3-50211487-A-G.
Other names: c.72A>G, p.Ile24Met (NM_001318798.2); c.276A>G, p.Ile92Met (NM_001318800.2); short protein forms I24M, I92M.
Identifiers: ClinVar variation 4977547 (VCV004977547.1).

ClinVar aggregate classification (germline): Likely benign (1 of 4 stars; one submission).

Conditions:
SEMA3F-related disorder. Also called: SEMA3F-related condition.

gnomAD v4.1: 269 of 1,613,978 alleles (0.017%); highest among the groups gnomAD compares: Non-Finnish European, 0.0085%; 1 homozygote.

Submission:

PreventionGenetics, part of Exact Sciences
Classification: Likely benign for SEMA3F-related condition. Last evaluated: 2024-12-18. Review status: criteria provided, single submitter. Criteria: ACMG Guidelines, 2015. Collection method: clinical testing. Allele origin: germline.
Comment: This variant is classified as likely benign based on ACMG/AMP sequence variant interpretation guidelines (Richards et al. 2015 PMID: 25741868, with internal and published modifications).